The following is an entry in ClinVar:

ClinVar aggregate classification (germline): Uncertain significance (1 of 4 stars; one submission).

Submission:

Labcorp Genetics (formerly Invitae), Labcorp
Classification: Uncertain significance. Last evaluated: 2021-12-01. Review status: criteria provided, single submitter. Criteria: Invitae Variant Classification Sherloc (09022015). Collection method: clinical testing. Allele origin: germline.
Comment: This variant is a gross deletion of the genomic region encompassing exon(s) 2 of the NEDD4L gene. This deletion is out-of-frame, and is expected to create a premature translational stop signal and result in an absent or disrupted protein product. However, the current clinical and genetic evidence is not sufficient to establish whether loss-of-function variants in NEDD4L cause disease. This variant has not been reported in the literature in individuals affected with NEDD4L-related conditions. In summary, the available evidence is currently insufficient to determine the role of this variant in disease. Therefore, it has been classified as a Variant of Uncertain Significance.

NC_000018.9:g.(?_55833000)_(55833113_?)del

Gene: NEDD4L (NEDD4 like E3 ubiquitin protein ligase; plus strand). Cytogenetic location: 18q21.31.
Variant type: Deletion.
Identifiers: ClinVar variation 2426125 (VCV002426125.3).